The following is an entry in ClinVar:

ClinVar aggregate classification (germline): Conflicting classifications of pathogenicity. Review status: criteria provided, conflicting classifications (1 of 4 stars). 3 submissions from 3 submitters: Uncertain significance (2); Likely benign (1). Last evaluated 2020-03-20.

Conditions:
Cardiomyopathy (CMYO). Also called: Cardiomyopathies. Identifiers: Orphanet 167848, MedGen C0878544, MONDO:0004994, HP:0001638. Inheritance: Various modes of inheritance.

Allele frequency attached by ClinVar (database versions not stated): gnomAD 0.00001 and 0.00002; 1000 Genomes Project 0.00020; gnomAD exomes 0.00002 and 0.00006; TOPMed 0.00002; ExAC 0.00004; 1000 Genomes Project 30x 0.00016.
gnomAD v4.1: 30 of 1,613,416 alleles (0.0019%); highest among the groups gnomAD compares: East Asian, 0.056%; no homozygotes.

Submissions (3):

CHEO Genetics Diagnostic Laboratory, Children's Hospital of Eastern Ontario
Classification: Likely benign for Cardiomyopathy. Last evaluated: 2020-03-20. Review status: criteria provided, single submitter. Criteria: ACMG Guidelines, 2015. Collection method: clinical testing. Allele origin: germline.

GeneDx
Classification: Uncertain significance. Last evaluated: 2017-04-07. Review status: criteria provided, single submitter. Criteria: GeneDx Variant Classification (06012015). Collection method: clinical testing. Allele origin: germline. Affected: yes.
Comment: A variant of uncertain significance has been identified in the TTN gene. The E12789D variant has not been published as pathogenic or been reported as benign to our knowledge. This variant is observed in 5/8,550 (0.06%) alleles from individuals of East Asian ancestry in the Exome Aggregation Consortium (ExAC) dataset and in 1/1,008 (0.1%) alleles from individuals of East Asian ancestry in the 1000 Genomes Project (Lek et al., 2016; 1000 Genomes Consortium et al., 2015; Exome Variant Server). The E12789D variant is a conservative amino acid substitution, which is not likely to impact secondary protein structure as these residues share similar properties. Nevertheless, this substitution occurs at a position that is conserved across species and in silico analysis suggests this variant is probably damaging to the protein structure/function.

Biesecker Lab/Clinical Genomics Section, National Institutes of Health
Classification: Uncertain significance. Last evaluated: 2013-06-24. Review status: criteria provided, single submitter. Criteria: Ng et al. (Circ Cardiovasc Genet. 2013). Collection method: research. Allele origin: unknown. Observed: 1 variant allele. Study: ClinSeq.
Comment: The study set was not selected for affection status in relation to any cancer. Pathogenicity categories were based on literature curation. See Pubmed ID:23861362 for details.

Medical sequencing

NM_001267550.2(TTN):c.43290A>C (p.Glu14430Asp)

Gene: TTN (titin; minus strand). Cytogenetic location: 2q31.2.
Variant type: single nucleotide variant.
Coding change: c.43290A>C on transcript NM_001267550.2 (MANE Select); coding-DNA position 43290, A replaced by C.
Protein change: p.Glu14430Asp; replaces glutamic acid 14430 with aspartic acid.
Molecular consequence: missense variant.
Genome position (GRCh38, 1-based): chr2:178,632,716, T>G on the plus strand (A>C on the coding strand, the complement: TTN is on the minus strand). VCF-style: chr2-178632716-T-G. GRCh37 (hg19) VCF-style: chr2-179497443-T-G.
Other names: c.38367A>C, p.Glu12789Asp (NM_001256850.1); c.16095A>C, p.Glu5365Asp (NM_003319.4); c.35586A>C, p.Glu11862Asp (NM_133378.4); c.16470A>C, p.Glu5490Asp (NM_133432.3); c.16671A>C, p.Glu5557Asp (NM_133437.4); short protein forms E11862D, E14430D, E12789D, E5365D, E5557D, E5490D.
Identifiers: ClinVar variation 191967 (VCV000191967.4), dbSNP rs531051064, ClinGen allele CA237986.
Genomic context (GRCh38, chr2:178,632,716, plus strand): 5'-ATCACCTGTGATTTCCTGGGTTCCTTTTAGCCAACGGAATGTTTTGGGCTCCCTGGATAC[T>G]TCACACTCAAACTTAGCCTCATCTTTCTCGAAGACTTTAACATCACTGAGAGGTGTGATG-3'
Protein context (NP_001254479.2, residues 14420-14440): FEKDEAKFEC[Glu14430Asp]VSREPKTFRW